The following is an entry in ClinVar:

ClinVar aggregate classification (germline): Likely benign. Review status: criteria provided, multiple submitters, no conflicts (2 of 4 stars). 3 submissions from 3 submitters: Likely benign (3). Last evaluated 2025-09-24.

Conditions:
Dilated cardiomyopathy 1G (CMD1G). Identifiers: Orphanet 154, MedGen C1858763, MONDO:0011400, OMIM 604145.
Autosomal recessive limb-girdle muscular dystrophy type 2J (LGMDR10). Also called: Limb-girdle muscular dystrophy, type 2J; MUSCULAR DYSTROPHY, LIMB-GIRDLE, AUTOSOMAL RECESSIVE 10. Identifiers: Orphanet 140922, MedGen C1837342, MONDO:0012127, OMIM 608807.
Cardiovascular phenotype. Identifiers: MedGen CN230736.
TTN-related disorder. Also called: TTN-related disorders; TTN-related condition; TTN-related disease.

Allele frequency attached by ClinVar (database versions not stated): gnomAD 0.00001; TOPMed 0.00001; ExAC 0.00002; gnomAD exomes 0.00002.
gnomAD v4.1: 29 of 1,613,226 alleles (0.0018%); highest among the groups gnomAD compares: African/African-American, 0.004%; no homozygotes.

Submissions (3):

Labcorp Genetics (formerly Invitae), Labcorp
Classification: Likely benign for Dilated cardiomyopathy 1G; Autosomal recessive limb-girdle muscular dystrophy type 2J. Last evaluated: 2025-09-24. Review status: criteria provided, single submitter. Criteria: Invitae Variant Classification Sherloc (09022015). Collection method: clinical testing. Allele origin: germline.

PreventionGenetics, part of Exact Sciences
Classification: Likely benign for TTN-related condition. Last evaluated: 2025-05-22. Review status: criteria provided, single submitter. Criteria: ACMG Guidelines, 2015. Collection method: clinical testing. Allele origin: germline.
Comment: This variant is classified as likely benign based on ACMG/AMP sequence variant interpretation guidelines (Richards et al. 2015 PMID: 25741868, with internal and published modifications).

Ambry Genetics
Classification: Likely benign for Cardiovascular phenotype. Last evaluated: 2025-03-18. Review status: criteria provided, single submitter. Criteria: Ambry Variant Classification Scheme 2023. Collection method: clinical testing. Allele origin: germline.

NM_001267550.2(TTN):c.69507C>T (p.Ser23169=)

Genes: TTN (titin; minus strand), TTN-AS1 (TTN antisense RNA 1; plus strand). Cytogenetic location: 2q31.2.
Variant type: single nucleotide variant.
Coding change: c.69507C>T on transcript NM_001267550.2 (MANE Select); coding-DNA position 69507, C replaced by T.
Protein change: p.Ser23169=; no amino-acid change (serine 23169 retained).
Molecular consequence: synonymous variant.
Genome position (GRCh38, 1-based): chr2:178,576,737, G>A on the plus strand (C>T on the coding strand, the complement: TTN is on the minus strand). VCF-style: chr2-178576737-G-A. GRCh37 (hg19) VCF-style: chr2-179441464-G-A.
Other names: c.64584C>T, p.Ser21528= (NM_001256850.1); c.42312C>T, p.Ser14104= (NM_003319.4); c.61803C>T, p.Ser20601= (NM_133378.4); c.42687C>T, p.Ser14229= (NM_133432.3); c.42888C>T, p.Ser14296= (NM_133437.4).
Identifiers: ClinVar variation 1079851 (VCV001079851.11), dbSNP rs763640597, ClinGen allele CA1990927.
Genomic context (GRCh38, chr2:178,576,737, plus strand): 5'-TGCTCTCACCCATCGCAGGCTTTTCTTTTCTCTCCTTTCTACATGATATCCTGTAATTTC[G>A]CTGCCACCATCATCCACTGGCCTTTTCCAGCTGACAGTGGCAGTGTTCTTAGTGACATTT-3'
Protein context (NP_001254479.2, residues 23159-23179): SWKRPVDDGG[Ser23169=]EITGYHVERR